The following is an entry in ClinVar:

ClinVar aggregate classification (germline): Likely pathogenic (1 of 4 stars; one submission).

Conditions:
Duchenne muscular dystrophy (DMD). Also called: MUSCULAR DYSTROPHY, PSEUDOHYPERTROPHIC PROGRESSIVE, DUCHENNE TYPE; Duchenne Muscular Dystrophy (DMD). Identifiers: Orphanet 98896, MedGen C0013264, MONDO:0010679, OMIM 310200.

Submission:

Labcorp Genetics (formerly Invitae), Labcorp
Classification: Likely pathogenic for Duchenne muscular dystrophy. Last evaluated: 2022-11-18. Review status: criteria provided, single submitter. Criteria: Invitae Variant Classification Sherloc (09022015). Collection method: clinical testing. Allele origin: unknown.
Comment: In summary, the currently available evidence indicates that the variant is pathogenic, but additional data are needed to prove that conclusively. Therefore, this variant has been classified as Likely Pathogenic. A similar copy number variant has been observed in individual(s) with DMD-related conditions (PMID: 20036901). This variant results in a copy number gain of the genomic region encompassing exon(s) 5-21 of the DMD gene. While the exact position of this variant cannot be determined from the data, sub-genic copy number gains are generally in tandem (PMID: 25640679). This variant is predicted to be out-of-frame, and may result in an absent or disrupted protein product. Loss-of-function variants in DMD are known to be pathogenic (PMID: 16770791, 25007885).

Literature cited by the submitters: PubMed 20036901; PubMed 25640679; PubMed 16770791; PubMed 25007885.

NC_000023.10:g.(?_32503016)_(32841967_?)dup

Gene: DMD (dystrophin; minus strand). Cytogenetic location: Xp21.1.
Variant type: Duplication.
Identifiers: ClinVar variation 3243165 (VCV003243165.1).